The following is an entry in ClinVar:

ClinVar aggregate classification (germline): Uncertain significance (1 of 4 stars; one submission).

Conditions:
Baller-Gerold syndrome (BGS). Also called: CRANIOSYNOSTOSIS WITH RADIAL DEFECTS. Identifiers: Orphanet 1225, MedGen C0265308, MONDO:0009039, OMIM 218600.

Allele frequency attached by ClinVar (database versions not stated): gnomAD exomes 0.00001; gnomAD 0.00002 and 0.00003; TOPMed 0.00005.
gnomAD v4.1: 9 of 1,612,982 alleles (0.00056%); highest among the groups gnomAD compares: Admixed American, 0.0083%; no homozygotes.

Submission:

Labcorp Genetics (formerly Invitae), Labcorp
Classification: Uncertain significance for Baller-Gerold syndrome. Last evaluated: 2022-10-09. Review status: criteria provided, single submitter. Criteria: Invitae Variant Classification Sherloc (09022015). Collection method: clinical testing. Allele origin: germline.
Comment: This sequence change replaces glutamic acid, which is acidic and polar, with lysine, which is basic and polar, at codon 296 of the RECQL4 protein (p.Glu296Lys). This variant is present in population databases (no rsID available, gnomAD 0.007%). This variant has not been reported in the literature in individuals affected with RECQL4-related conditions. ClinVar contains an entry for this variant (Variation ID: 943578). In summary, the available evidence is currently insufficient to determine the role of this variant in disease. Therefore, it has been classified as a Variant of Uncertain Significance.

NM_004260.4(RECQL4):c.886G>A (p.Glu296Lys)

Gene: RECQL4 (RecQ like helicase 4; minus strand). Cytogenetic location: 8q24.3.
Variant type: single nucleotide variant.
Coding change: c.886G>A on transcript NM_004260.4 (MANE Select); coding-DNA position 886, G replaced by A.
Protein change: p.Glu296Lys; replaces glutamic acid 296 with lysine.
Molecular consequence: missense variant.
Genome position (GRCh38, 1-based): chr8:144,516,233, C>T on the plus strand (G>A on the coding strand, the complement: RECQL4 is on the minus strand). VCF-style: chr8-144516233-C-T. GRCh37 (hg19) VCF-style: chr8-145741617-C-T.
Other names: short protein forms E296K.
Identifiers: ClinVar variation 943578 (VCV000943578.4), dbSNP rs1024635326, ClinGen allele CA187688714.